The following is an entry in ClinVar:

NM_022835.3(PLEKHG2):c.3071A>G (p.Lys1024Arg)

Gene: PLEKHG2 (pleckstrin homology and RhoGEF domain containing G2; plus strand). Cytogenetic location: 19q13.2.
Variant type: single nucleotide variant.
Coding change: c.3071A>G on transcript NM_022835.3 (MANE Select); coding-DNA position 3071, A replaced by G.
Protein change: p.Lys1024Arg; replaces lysine 1024 with arginine.
Molecular consequence: missense variant. On other transcripts: intron variant (1).
Genome position (GRCh38, 1-based): chr19:39,424,204, A>G. VCF-style: chr19-39424204-A-G. GRCh37 (hg19) VCF-style: chr19-39914844-A-G.
Other names: c.2894A>G, p.Lys965Arg (NM_001351693.2); c.1678-1034A>G (NM_001351694.2); short protein forms K1024R, K965R.
Identifiers: ClinVar variation 3420449 (VCV003420449.3).
Genomic context (GRCh38, chr19:39,424,204, plus strand): 5'-TTTGTCCTGAGCAGGGACACTGTGCGGACATCCACGTTCCCACCACTCCAGCTTTGCCCA[A>G]GGAGATTTGTTCTGATTTCACAGTTTCAGTCACCACCCCTGTGCCCAAGCAAGAAGGTCA-3'
Protein context (NP_073746.2, residues 1014-1034): IHVPTTPALP[Lys1024Arg]EICSDFTVSV

ClinVar aggregate classification (germline): Uncertain significance. Review status: criteria provided, multiple submitters, no conflicts (2 of 4 stars). 2 submissions from 2 submitters: Uncertain significance (2). Last evaluated 2026-06-29.

gnomAD v4.1: 33 of 1,614,170 alleles (0.002%); highest among the groups gnomAD compares: African/African-American, 0.027%; no homozygotes.

Submissions (2):

GeneDx
Classification: Uncertain significance. Last evaluated: 2026-06-29. Review status: criteria provided, single submitter. Criteria: GeneDx Variant Classification Process June 2021. Collection method: clinical testing. Allele origin: germline.
Comment: In silico analysis suggests that this missense variant does not alter protein structure/function; Has not been previously published as pathogenic or benign to our knowledge

Ambry Genetics
Classification: Uncertain significance. Last evaluated: 2024-09-27. Review status: criteria provided, single submitter. Criteria: Ambry Variant Classification Scheme 2023. Collection method: clinical testing. Allele origin: germline.